The following is an entry in ClinVar:

ClinVar aggregate classification (germline): Uncertain significance. Review status: criteria provided, multiple submitters, no conflicts (2 of 4 stars). 2 submissions from 2 submitters: Uncertain significance (2). Last evaluated 2024-10-01.

Allele frequency attached by ClinVar (database versions not stated): gnomAD exomes below 0.00001; ExAC 0.00001; TOPMed 0.00002; gnomAD 0.00003.
gnomAD v4.1: 112 of 1,614,100 alleles (0.0069%); highest among the groups gnomAD compares: Non-Finnish European, 0.0086%; no homozygotes.

Submissions (2):

CeGaT Center for Human Genetics Tuebingen
Classification: Uncertain significance. Last evaluated: 2024-10-01. Review status: criteria provided, single submitter. Criteria: CeGaT Center For Human Genetics Tuebingen Variant Classification Criteria Version 2. Collection method: clinical testing. Allele origin: germline. Affected: yes. Observed: 1 variant allele.
Comment: KARS1: PM2, PP3

Ambry Genetics
Classification: Uncertain significance. Last evaluated: 2020-01-21. Review status: criteria provided, single submitter. Criteria: Ambry Variant Classification Scheme 2023. Collection method: clinical testing. Allele origin: germline.
Comment: The c.1556T>C (p.M519T) alteration is located in exon 13 (coding exon 12) of the KARS gene. This alteration results from a T to C substitution at nucleotide position 1556, causing the methionine (M) at amino acid position 519 to be replaced by a threonine (T). Based on data from the NHLBI Exome Sequencing Project (ESP), the KARS c.1556T>C alteration was not observed among 6,498 individuals tested. The c.1556T>C alteration was observed in 1 out of 121,404 total alleles studied (0.0008%) in the Exome Aggregation Consortium (ExAC) Database. Allele frequency data for this nucleotide position are not currently available from the 1000 Genomes Project and the alteration is not currently listed in the Database of Single Nucleotide Polymorphisms (dbSNP). Rare missense alleles commonly exhibit a deleterious effect on protein function (Kryukov, 2007; Tennessen, 2012; please note that some variants may appear to be rare due to ethnic underrepresentation in the database). The p.M519 amino acid is conserved in available vertebrate species. The p.M519T alteration is predicted to be possibly damaging by Polyphen and tolerated by SIFT in silico analyses. Since supporting evidence is limited at this time, the clinical significance of this variant remains unclear. The heterozygous missense change is ultra rare in healthy individuals:_x000D_ Based on data from the NHLBI Exome Sequencing Project (ESP), the KARS c.1556T>C alteration was not observed among 6,498 individuals tested. The c.1556T>C alteration was observed in 1 out of 121,404 total alleles studied (0.0008%) in the Exome Aggregation Consortium (ExAC) Database. Allele frequency data for this nucleotide position are not currently available from the 1000 Genomes Project and the alteration is not currently listed in the Database of Single Nucleotide Polymorphisms (dbSNP). Rare missense alleles commonly exhibit a deleterious effect on protein function (Kryukov, 2007; Tennessen, 2012; please note that some variants may appear to be rare due to ethnic underrepresentation in the database). _x000D_ IF USED, PULL THESE INTO REFERENCES:_x000D_ Kryukov GV, et al. (2007) Am J Hum Genet 80:727-739. Tennessen JA, et al. (2012) Science 337(64):64-69. The altered amino acid is conserved throughout evolution:_x000D_ The p.M519 amino acid is conserved in available vertebrate species. The amino acid is located in a functionally important protein domain:_x000D_ The p.M519T amino acid is located in the catalytic domain of the KARS protein. The function of the catalytic domain is to bind ATP, the tRNA acceptor stem, and to catalyze the aminoacylation reaction (Desogus, 2000). In silico prediction is conflicting:_x000D_ The p.M519T alteration is predicted to be possibly damaging by Polyphen and tolerated by SIFT in silico analyses. Based on insufficient or conflicting evidence, the clinical significance of this alteration remains unclear.

NM_005548.3(KARS1):c.1472T>C (p.Met491Thr)

Genes: KARS1 (lysyl-tRNA synthetase 1; minus strand), LOC126862402 (CDK7 strongly-dependent group 2 enhancer GRCh37_chr16:75663368-75664567; plus strand). Cytogenetic location: 16q23.1.
Variant type: single nucleotide variant.
Coding change: c.1472T>C on transcript NM_005548.3 (MANE Select); coding-DNA position 1472, T replaced by C.
Protein change: p.Met491Thr; replaces methionine 491 with threonine.
Molecular consequence: missense variant.
Genome position (GRCh38, 1-based): chr16:75,629,494, A>G on the plus strand (T>C on the coding strand, the complement: KARS1 is on the minus strand). VCF-style: chr16-75629494-A-G. GRCh37 (hg19) VCF-style: chr16-75663392-A-G.
Other names: c.1556T>C, p.Met519Thr (NM_001130089.2); c.1004T>C, p.Met335Thr (NM_001378148.1); short protein forms M519T, M491T, M335T.
Identifiers: ClinVar variation 521088 (VCV000521088.18), dbSNP rs763377687, ClinGen allele CA8177219.